The following is an entry in ClinVar:

ClinVar aggregate classification (germline): Uncertain significance. Review status: criteria provided, multiple submitters, no conflicts (2 of 4 stars). 2 submissions from 2 submitters: Uncertain significance (2). Last evaluated 2025-06-10.

Conditions:
Brugada syndrome. Also called: Sudden Unexplained Death Syndrome; Sudden Unexplained Nocturnal Death Syndrome (SUNDS); Sudden unexpected nocturnal death syndrome; Sudden unexplained nocturnal death syndrome. Identifiers: Orphanet 130, MedGen C1142166, MONDO:0015263.
Cardiovascular phenotype. Identifiers: MedGen CN230736.

Allele frequency attached by ClinVar (database versions not stated): ExAC 0.00001; gnomAD exomes 0.00001 and 0.00002; gnomAD 0.00002; TOPMed 0.00002.
gnomAD v4.1: 12 of 1,612,348 alleles (0.00074%); highest among the groups gnomAD compares: Admixed American, 0.0067%; no homozygotes.

Submissions (2):

Labcorp Genetics (formerly Invitae), Labcorp
Classification: Uncertain significance for Brugada syndrome. Last evaluated: 2025-06-10. Review status: criteria provided, single submitter. Criteria: Invitae Variant Classification Sherloc (09022015). Collection method: clinical testing. Allele origin: germline.
Comment: This sequence change replaces histidine, which is basic and polar, with asparagine, which is neutral and polar, at codon 506 of the SCN10A protein (p.His506Asn). This variant is present in population databases (rs745555704, gnomAD 0.009%). This missense change has been observed in individual(s) with paroxysmal atrial fibrillation (PMID: 25053638, 28407228). ClinVar contains an entry for this variant (Variation ID: 846909). Invitae Evidence Modeling of protein sequence and biophysical properties (such as structural, functional, and spatial information, amino acid conservation, physicochemical variation, residue mobility, and thermodynamic stability) indicates that this missense variant is not expected to disrupt SCN10A protein function with a negative predictive value of 80%. In summary, the available evidence is currently insufficient to determine the role of this variant in disease. Therefore, it has been classified as a Variant of Uncertain Significance.

Ambry Genetics
Classification: Uncertain significance for Cardiovascular phenotype. Last evaluated: 2023-10-16. Review status: criteria provided, single submitter. Criteria: Ambry Variant Classification Scheme 2023. Collection method: clinical testing. Allele origin: germline.
Comment: The p.H506N variant (also known as c.1516C>A), located in coding exon 11 of the SCN10A gene, results from a C to A substitution at nucleotide position 1516. The histidine at codon 506 is replaced by asparagine, an amino acid with similar properties. This amino acid position is well conserved in available vertebrate species. In addition, this alteration is predicted to be tolerated by in silico analysis. Since supporting evidence is limited at this time, the clinical significance of this alteration remains unclear.

Literature cited by the submitters: PubMed 25053638 (cited by Labcorp Genetics (formerly Invitae), Labcorp); PubMed 28407228 (cited by Labcorp Genetics (formerly Invitae), Labcorp).

NM_006514.4(SCN10A):c.1516C>A (p.His506Asn)

Gene: SCN10A (sodium voltage-gated channel alpha subunit 10; minus strand). Cytogenetic location: 3p22.2.
Variant type: single nucleotide variant.
Coding change: c.1516C>A on transcript NM_006514.4 (MANE Select); coding-DNA position 1516, C replaced by A.
Protein change: p.His506Asn; replaces histidine 506 with asparagine.
Molecular consequence: missense variant. On other transcripts: intron variant (1).
Genome position (GRCh38, 1-based): chr3:38,752,458, G>T on the plus strand (C>A on the coding strand, the complement: SCN10A is on the minus strand). VCF-style: chr3-38752458-G-T. GRCh37 (hg19) VCF-style: chr3-38793949-G-T.
Other names: c.1516C>A, p.His506Asn (NM_001293306.2); c.1462-2274C>A (NM_001293307.2); short protein forms H506N.
Identifiers: ClinVar variation 846909 (VCV000846909.6), dbSNP rs745555704, ClinGen allele CA2320825.
Genomic context (GRCh38, chr3:38,752,458, plus strand): 5'-AGACTCCATCATCTGTGACTCCCTCAGGGAGTGAGATATCTCGGCCAGGGGACCGGAAAT[G>T]GAACACACTGCCATGACTAGCCCGGCGTTTTCCAGAGGCGAGGCCTAGAAAAGACTGGGC-3'
Protein context (NP_006505.4, residues 496-516): KRRASHGSVF[His506Asn]FRSPGRDISL